The following is an entry in ClinVar:

ClinVar aggregate classification (germline): Uncertain significance (1 of 4 stars; one submission).

Conditions:
Leber congenital amaurosis 2 (LCA2). Also called: AMAUROSIS CONGENITA OF LEBER II; Autosomal Recessive RPE65-Related Retinal Degeneration. Identifiers: Orphanet 65, MedGen C1859844, MONDO:0008765, OMIM 204100. Disease mechanism: loss of function.
Retinitis pigmentosa 20 (RP20). Identifiers: Orphanet 791, MedGen C3151086, MONDO:0013425, OMIM 613794.

Allele frequency attached by ClinVar (database versions not stated): gnomAD exomes below 0.00001; TOPMed below 0.00001.
gnomAD v4.1: 1 of 1,614,030 alleles (0.000062%); highest among the groups gnomAD compares: Non-Finnish European, 0.000085%; no homozygotes.

Submission:

Labcorp Genetics (formerly Invitae), Labcorp
Classification: Uncertain significance for Leber congenital amaurosis 2; Retinitis pigmentosa 20. Last evaluated: 2021-05-20. Review status: criteria provided, single submitter. Criteria: Invitae Variant Classification Sherloc (09022015). Collection method: clinical testing. Allele origin: germline.
Comment: This variant is not present in population databases (ExAC no frequency). In summary, the available evidence is currently insufficient to determine the role of this variant in disease. Therefore, it has been classified as a Variant of Uncertain Significance. Algorithms developed to predict the effect of missense changes on protein structure and function (SIFT, PolyPhen-2, Align-GVGD) all suggest that this variant is likely to be tolerated, but these predictions have not been confirmed by published functional studies and their clinical significance is uncertain. This variant has not been reported in the literature in individuals with RPE65-related conditions. This sequence change replaces threonine with serine at codon 432 of the RPE65 protein (p.Thr432Ser). The threonine residue is moderately conserved and there is a small physicochemical difference between threonine and serine.

NM_000329.3(RPE65):c.1294A>T (p.Thr432Ser)

Gene: RPE65 (retinoid isomerohydrolase RPE65; minus strand). Cytogenetic location: 1p31.3.
Variant type: single nucleotide variant.
Coding change: c.1294A>T on transcript NM_000329.3 (MANE Select); coding-DNA position 1294, A replaced by T.
Protein change: p.Thr432Ser; replaces threonine 432 with serine.
Molecular consequence: missense variant.
Genome position (GRCh38, 1-based): chr1:68,431,326, T>A on the plus strand (A>T on the coding strand, the complement: RPE65 is on the minus strand). VCF-style: chr1-68431326-T-A. GRCh37 (hg19) VCF-style: chr1-68897009-T-A.
Other names: short protein forms T432S.
Identifiers: ClinVar variation 1419133 (VCV001419133.8), dbSNP rs1645824500, ClinGen allele CA340742515.